The following is an entry in ClinVar:

NM_001165963.4(SCN1A):c.4988T>C (p.Leu1663Ser)

Genes: SCN1A (sodium voltage-gated channel alpha subunit 1; minus strand), LOC102724058 (uncharacterized LOC102724058; plus strand). Cytogenetic location: 2q24.3.
Variant type: single nucleotide variant.
Coding change: c.4988T>C on transcript NM_001165963.4 (MANE Select); coding-DNA position 4988, T replaced by C.
Protein change: p.Leu1663Ser; replaces leucine 1663 with serine.
Molecular consequence: missense variant. On other transcripts: non-coding transcript variant (1).
Genome position (GRCh38, 1-based): chr2:165,992,287, A>G on the plus strand (T>C on the coding strand, the complement: SCN1A is on the minus strand). VCF-style: chr2-165992287-A-G. GRCh37 (hg19) VCF-style: chr2-166848797-A-G.
Other names: c.4904T>C, p.Leu1635Ser (NM_001165964.3, NM_001353957.2, NM_001353958.2); c.4988T>C, p.Leu1663Ser (NM_001202435.3, NM_001353948.2); c.4955T>C, p.Leu1652Ser (NM_001353949.2, NM_001353950.2, NM_001353951.2 and 2 more transcripts); c.4952T>C, p.Leu1651Ser (NM_001353954.2, NM_001353955.2); c.4901T>C, p.Leu1634Ser (NM_001353960.2); c.2546T>C, p.Leu849Ser (NM_001353961.2); short protein forms L1634S, L1635S, L1652S, L1663S, L1651S, L849S.
Identifiers: ClinVar variation 930731 (VCV000930731.6), dbSNP rs1553520425, ClinGen allele CA349069861.
Genomic context (GRCh38, chr2:165,992,287, plus strand): 5'-ATGAACATGACTAGGAAGAGTAGGAGGCCGATGTTAAACAACGCAGGAAGGGACATCATC[A>G]AAGCAAAGAGCAGCGTGCGGATCCCCTTTGCTCCTTTGATCAGACGTAGGATTCGGCCAA-3'
Protein context (NP_001159435.1, residues 1653-1673): AKGIRTLLFA[Leu1663Ser]MMSLPALFNI

ClinVar aggregate classification (germline): Conflicting classifications of pathogenicity. Review status: criteria provided, conflicting classifications (1 of 4 stars). 2 submissions from 2 submitters: Likely pathogenic (1); Uncertain significance (1). Last evaluated 2023-10-07.

Conditions:
Early-infantile DEE. Also called: Early infantile epileptic encephalopathy; Ohtahara syndrome; Early infantile epileptic encephalopathy with suppression bursts. Identifiers: Orphanet 1934, MedGen C0393706, MONDO:0800491.
Migraine, familial hemiplegic, 3. Identifiers: Orphanet 569, MedGen C1864987, MONDO:0012320, OMIM 609634.

Submissions (2):

Labcorp Genetics (formerly Invitae), Labcorp
Classification: Uncertain significance for Early-infantile DEE. Last evaluated: 2023-10-07. Review status: criteria provided, single submitter. Criteria: Invitae Variant Classification Sherloc (09022015). Collection method: clinical testing. Allele origin: germline.
Comment: This sequence change replaces leucine, which is neutral and non-polar, with serine, which is neutral and polar, at codon 1663 of the SCN1A protein (p.Leu1663Ser). This variant is not present in population databases (gnomAD no frequency). This variant has not been reported in the literature in individuals affected with SCN1A-related conditions. ClinVar contains an entry for this variant (Variation ID: 930731). Advanced modeling of protein sequence and biophysical properties (such as structural, functional, and spatial information, amino acid conservation, physicochemical variation, residue mobility, and thermodynamic stability) performed at Invitae indicates that this missense variant is expected to disrupt SCN1A protein function. In summary, the available evidence is currently insufficient to determine the role of this variant in disease. Therefore, it has been classified as a Variant of Uncertain Significance.

Centre for Mendelian Genomics, University Medical Centre Ljubljana
Classification: Likely pathogenic for Migraine, familial hemiplegic, 3. Last evaluated: 2020-03-26. Review status: criteria provided, single submitter. Criteria: ACMG Guidelines, 2015. Collection method: clinical testing. Allele origin: unknown. Affected: yes.
Comment: This variant was classified as: Likely pathogenic. The following ACMG criteria were applied in classifying this variant: PM1,PM2,PP2,PP3.